The following is an entry in ClinVar:

ClinVar aggregate classification (germline): Uncertain significance. Review status: criteria provided, multiple submitters, no conflicts (2 of 4 stars). 2 submissions from 2 submitters: Uncertain significance (2). Last evaluated 2024-12-21.

Conditions:
Inborn genetic diseases. Identifiers: MedGen C0950123, MeSH D030342.

Submissions (2):

Ambry Genetics
Classification: Uncertain significance for Inborn genetic diseases. Last evaluated: 2024-12-21. Review status: criteria provided, single submitter. Criteria: Ambry Variant Classification Scheme 2023. Collection method: clinical testing. Allele origin: germline.

GeneDx
Classification: Uncertain significance. Last evaluated: 2022-08-07. Review status: criteria provided, single submitter. Criteria: GeneDx Variant Classification Process June 2021. Collection method: clinical testing. Allele origin: germline. Affected: yes.
Comment: Not observed at significant frequency in large population cohorts (gnomAD); In silico analysis supports that this missense variant does not alter protein structure/function; Has not been previously published as pathogenic or benign to our knowledge

NM_012154.5(AGO2):c.1330A>G (p.Thr444Ala)

Gene: AGO2 (argonaute RISC catalytic component 2; minus strand). Cytogenetic location: 8q24.3.
Variant type: single nucleotide variant.
Coding change: c.1330A>G on transcript NM_012154.5 (MANE Select); coding-DNA position 1330, A replaced by G.
Protein change: p.Thr444Ala; replaces threonine 444 with alanine.
Molecular consequence: missense variant.
Genome position (GRCh38, 1-based): chr8:140,551,376, T>C on the plus strand (A>G on the coding strand, the complement: AGO2 is on the minus strand). VCF-style: chr8-140551376-T-C. GRCh37 (hg19) VCF-style: chr8-141561475-T-C.
Other names: c.1330A>G, p.Thr444Ala (NM_001164623.3); short protein forms T444A.
Identifiers: ClinVar variation 2429619 (VCV002429619.2), dbSNP rs2540713593, ClinGen allele CA372320420.